The following is an entry in ClinVar:

NM_001046.3(SLC12A2):c.3361G>T (p.Asp1121Tyr)

Gene: SLC12A2 (solute carrier family 12 member 2; plus strand). Cytogenetic location: 5q23.3.
Variant type: single nucleotide variant.
Coding change: c.3361G>T on transcript NM_001046.3 (MANE Select); coding-DNA position 3361, G replaced by T.
Protein change: p.Asp1121Tyr; replaces aspartic acid 1121 with tyrosine.
Molecular consequence: missense variant. On other transcripts: non-coding transcript variant (1).
Genome position (GRCh38, 1-based): chr5:128,184,427, G>T. VCF-style: chr5-128184427-G-T. GRCh37 (hg19) VCF-style: chr5-127520119-G-T.
Other names: c.3313G>T, p.Asp1105Tyr (NM_001256461.2); short protein forms D1105Y, D1121Y.
Identifiers: ClinVar variation 2017957 (VCV002017957.4), dbSNP rs2479497558, ClinGen allele CA360741222.

ClinVar aggregate classification (germline): Uncertain significance (1 of 4 stars; one submission).

Submission:

Labcorp Genetics (formerly Invitae), Labcorp
Classification: Uncertain significance. Last evaluated: 2022-07-17. Review status: criteria provided, single submitter. Criteria: Invitae Variant Classification Sherloc (09022015). Collection method: clinical testing. Allele origin: germline.
Comment: This sequence change replaces aspartic acid, which is acidic and polar, with tyrosine, which is neutral and polar, at codon 1121 of the SLC12A2 protein (p.Asp1121Tyr). This variant is not present in population databases (gnomAD no frequency). This variant has not been reported in the literature in individuals affected with SLC12A2-related conditions. Advanced modeling of protein sequence and biophysical properties (such as structural, functional, and spatial information, amino acid conservation, physicochemical variation, residue mobility, and thermodynamic stability) performed at Invitae indicates that this missense variant is not expected to disrupt SLC12A2 protein function. Algorithms developed to predict the effect of sequence changes on RNA splicing suggest that this variant may create or strengthen a splice site. In summary, the available evidence is currently insufficient to determine the role of this variant in disease. Therefore, it has been classified as a Variant of Uncertain Significance.